The following is an entry in ClinVar:

ClinVar aggregate classification (germline): Benign/Likely benign. Review status: criteria provided, multiple submitters, no conflicts (2 of 4 stars). 5 submissions from 5 submitters: Benign (1); Likely benign (4). Last evaluated 2025-12-16.

Conditions:
Hereditary cancer-predisposing syndrome. Also called: Neoplastic Syndromes, Hereditary; Tumor predisposition; Hereditary Cancer Syndrome; Hereditary neoplastic syndrome. Identifiers: Orphanet 140162, MedGen C0027672, MeSH D009386, MONDO:0015356.
Familial adenomatous polyposis 1 (FAP1). Also called: FAMILIAL ADENOMATOUS POLYPOSIS 1, ATTENUATED; POLYPOSIS, ADENOMATOUS INTESTINAL. Identifiers: MedGen C2713442, MONDO:0021056, OMIM 175100. Disease mechanism: loss of function.
Classic or attenuated familial adenomatous polyposis. Identifiers: MedGen CN372698, MONDO:0021057.

Allele frequency attached by ClinVar (database versions not stated): gnomAD exomes below 0.00001 and 0.00002; TOPMed below 0.00001; ExAC 0.00001; gnomAD 0.00001.
gnomAD v4.1: 6 of 1,613,334 alleles (0.00037%); highest among the groups gnomAD compares: East Asian, 0.013%; no homozygotes.

Submissions (5):

Labcorp Genetics (formerly Invitae), Labcorp
Classification: Likely benign for Familial adenomatous polyposis 1. Last evaluated: 2025-12-16. Review status: criteria provided, single submitter. Criteria: Invitae Variant Classification Sherloc (09022015). Collection method: clinical testing. Allele origin: germline.

Myriad Genetics, Inc.
Classification: Benign for Familial adenomatous polyposis 1. Last evaluated: 2024-03-01. Review status: criteria provided, single submitter. Criteria: Myriad Autosomal Dominant, Autosomal Recessive and X-Linked Classification Criteria (2023). Collection method: clinical testing. Allele origin: unknown.
Comment: This variant is considered benign. This variant is a silent/synonymous amino acid change and it is not expected to impact splicing.

All of Us Research Program, National Institutes of Health
Classification: Likely benign for Classic or attenuated familial adenomatous polyposis. Last evaluated: 2023-05-15. Review status: criteria provided, single submitter. Criteria: ACMG Guidelines, 2015. Collection method: clinical testing. Allele origin: germline. Inheritance: Autosomal dominant inheritance. Observed: 1 variant allele, 1 heterozygote.
Comment: This study involves interpretation of variants in research participants for the purpose of population health screening. Participant phenotype was not available at the time of variant classification. Additional details can be found in publication PMID: 35346344, PMCID: PMC8962531

Color Diagnostics, LLC DBA Color Health
Classification: Likely benign for Hereditary cancer-predisposing syndrome. Last evaluated: 2016-12-12. Review status: criteria provided, single submitter. Criteria: ACMG Guidelines, 2015. Collection method: clinical testing. Allele origin: germline.

Ambry Genetics
Classification: Likely benign for Hereditary cancer-predisposing syndrome. Last evaluated: 2015-05-03. Review status: criteria provided, single submitter. Criteria: Ambry Variant Classification Scheme 2023. Collection method: clinical testing. Allele origin: germline.

NM_000038.6(APC):c.1344T>A (p.Pro448=)

Gene: APC (APC regulator of Wnt signaling pathway; plus strand). Cytogenetic location: 5q22.2.
Variant type: single nucleotide variant.
Coding change: c.1344T>A on transcript NM_000038.6 (MANE Select); coding-DNA position 1344, T replaced by A.
Protein change: p.Pro448=; no amino-acid change (proline 448 retained).
Molecular consequence: synonymous variant.
Genome position (GRCh38, 1-based): chr5:112,821,927, T>A. VCF-style: chr5-112821927-T-A. GRCh37 (hg19) VCF-style: chr5-112157624-T-A.
Other names: c.1344T>A, p.Pro448= (NM_001127510.3, NM_001354895.2, NM_001354896.2); c.1290T>A, p.Pro430= (NM_001127511.3); c.1374T>A, p.Pro458= (NM_001354897.2); c.1269T>A, p.Pro423= (NM_001354898.2); c.1260T>A, p.Pro420= (NM_001354899.2); c.1167T>A, p.Pro389= (NM_001354900.2, NM_001354901.2); c.1071T>A, p.Pro357= (NM_001354902.2); c.1041T>A, p.Pro347= (NM_001354903.2); and 3 more.
Identifiers: ClinVar variation 231578 (VCV000231578.23), dbSNP rs752774532, ClinGen allele CA027216.